The following is an entry in ClinVar:

NM_000327.4(ROM1):c.320del (p.Gly107fs)

Gene: ROM1 (retinal outer segment membrane protein 1; plus strand). Cytogenetic location: 11q12.3.
Variant type: Deletion.
Coding change: c.320del on transcript NM_000327.4 (MANE Select); coding-DNA position 320, one base deleted (G; older notation c.320delG).
Protein change: p.Gly107fs; shifts the reading frame from glycine 107.
Molecular consequence: frameshift variant.
Genome position (GRCh38, 1-based): chr11:62,613,601, G deleted; the last of 2 consecutive G bases (chr11:62,613,600-62,613,601); deleting either gives the same sequence. VCF-style (leftmost placement, unchanged base first): chr11-62613599-TG-T. GRCh37 (hg19) VCF-style: chr11-62381071-TG-T.
Other names: short protein forms G107fs.
Identifiers: ClinVar variation 1913403 (VCV001913403.5), dbSNP rs1942949016, ClinGen allele CA938671515.

ClinVar aggregate classification (germline): Uncertain significance (1 of 4 stars; one submission).

Submission:

Labcorp Genetics (formerly Invitae), Labcorp
Classification: Uncertain significance. Last evaluated: 2023-12-11. Review status: criteria provided, single submitter. Criteria: Invitae Variant Classification Sherloc (09022015). Collection method: clinical testing. Allele origin: germline.
Comment: This sequence change creates a premature translational stop signal (p.Gly107Alafs*15) in the ROM1 gene. It is expected to result in an absent or disrupted protein product. However, the current clinical and genetic evidence is not sufficient to establish whether loss-of-function variants in ROM1 cause disease. This variant is not present in population databases (gnomAD no frequency). This premature translational stop signal has been observed in individual(s) with Stargardt disease (PMID: 36259723). ClinVar contains an entry for this variant (Variation ID: 1913403). Experimental studies and prediction algorithms are not available or were not evaluated, and the functional significance of this variant is currently unknown. In summary, the available evidence is currently insufficient to determine the role of this variant in disease. Therefore, it has been classified as a Variant of Uncertain Significance.

Literature cited by the submitters: PubMed 36259723.